The following is an entry in ClinVar:

NM_000540.3(RYR1):c.4988C>G (p.Ser1663Trp)

Gene: RYR1 (ryanodine receptor 1; plus strand). Cytogenetic location: 19q13.2.
Variant type: single nucleotide variant.
Coding change: c.4988C>G on transcript NM_000540.3 (MANE Select); coding-DNA position 4988, C replaced by G.
Protein change: p.Ser1663Trp; replaces serine 1663 with tryptophan.
Molecular consequence: missense variant.
Genome position (GRCh38, 1-based): chr19:38,485,643, C>G. VCF-style: chr19-38485643-C-G. GRCh37 (hg19) VCF-style: chr19-38976283-C-G.
Other names: c.4988C>G, p.Ser1663Trp (NM_001042723.2); short protein forms S1663W.
Identifiers: ClinVar variation 3026347 (VCV003026347.23), dbSNP rs1969242788, ClinGen allele CA405652874.

ClinVar aggregate classification (germline): Uncertain significance. Review status: criteria provided, multiple submitters, no conflicts (2 of 4 stars). 2 submissions from 2 submitters: Uncertain significance (2). Last evaluated 2024-02-01.

gnomAD v4.1: 2 of 1,610,620 alleles (0.00012%); highest among the groups gnomAD compares: Non-Finnish European, 0.00017%; no homozygotes.

Submissions (2):

CeGaT Center for Human Genetics Tuebingen
Classification: Uncertain significance. Last evaluated: 2024-02-01. Review status: criteria provided, single submitter. Criteria: CeGaT Center For Human Genetics Tuebingen Variant Classification Criteria Version 2. Collection method: clinical testing. Allele origin: germline. Affected: yes. Observed: 1 variant allele.
Comment: RYR1: PM2

Blueprint Genetics
Classification: Uncertain significance. Last evaluated: 2018-04-30. Review status: criteria provided, single submitter. Criteria: ACMG Guidelines, 2015. Collection method: clinical testing. Allele origin: germline.